The following is an entry in ClinVar:

ClinVar aggregate classification (germline): Uncertain significance. Review status: criteria provided, multiple submitters, no conflicts (2 of 4 stars). 5 submissions from 5 submitters: Uncertain significance (2). 3 of the submissions do not count toward it. Last evaluated 2026-01-26.

Conditions:
Pulmonary fibrosis. Identifiers: MedGen C0034069, MONDO:0002771, HP:0002206.
Dyskeratosis congenita. Identifiers: Orphanet 1775, MedGen C0265965, MONDO:0015780.
Dyskeratosis congenita, autosomal recessive 5 (DKCB5). Identifiers: MedGen C3554656, MONDO:0014076, OMIM 615190.
Pulmonary fibrosis and/or bone marrow failure, Telomere-related, 3. Also called: PULMONARY FIBROSIS AND/OR BONE MARROW FAILURE SYNDROME, TELOMERE-RELATED, 3. Identifiers: Orphanet 2032, MedGen C4225346, MONDO:0014613, OMIM 616373.

Allele frequency attached by ClinVar (database versions not stated): gnomAD exomes below 0.00001; TOPMed below 0.00001.

Submissions (5):

Labcorp Genetics (formerly Invitae), Labcorp
Classification: Uncertain significance for Dyskeratosis congenita, autosomal recessive 5; Pulmonary fibrosis and/or bone marrow failure, Telomere-related, 3. Last evaluated: 2026-01-26. Review status: criteria provided, single submitter. Criteria: Invitae Variant Classification Sherloc (09022015). Collection method: clinical testing. Allele origin: germline.
Comment: This sequence change replaces proline, which is neutral and non-polar, with leucine, which is neutral and non-polar, at codon 647 of the RTEL1 protein (p.Pro647Leu). This variant is present in population databases (no rsID available, gnomAD 0.003%). This missense change has been observed in individual(s) with a personal and/or family history of pulmonary fibrosis (PMID: 25848748, 36028256). ClinVar contains an entry for this variant (Variation ID: 553611). An algorithm developed to predict the effect of missense changes on protein structure and function (PolyPhen-2) suggests that this variant is likely to be disruptive. In summary, the available evidence is currently insufficient to determine the role of this variant in disease. Therefore, it has been classified as a Variant of Uncertain Significance.

GeneDx
Classification: Uncertain significance. Last evaluated: 2023-08-10. Review status: criteria provided, single submitter. Criteria: GeneDx Variant Classification Process June 2021. Collection method: clinical testing. Allele origin: germline. Affected: yes.
Comment: Identified via exome sequencing in an individual with familial pulmonary fibrosis and shortened telomeres (Stuart et al., 2015); Not observed at a significant frequency in large population cohorts (gnomAD); In silico analysis supports that this missense variant has a deleterious effect on protein structure/function; Also known as c.1940C>T (p.Pro647Leu); This variant is associated with the following publications: (PMID: 28192371, 27540018, 35795226, 25848748)

Garcia Pulmonary Genetics Research Laboratory, Columbia University Irving Medical Center
Classification: Likely risk allele for Pulmonary fibrosis. Last evaluated: 2022-06-09. Review status: no assertion criteria provided. Collection method: research. Allele origin: germline. Affected: yes. Not counted in ClinVar's aggregate classification.
Comment: Leukocyte telomere length (by qPCR) less than 10th percentile age-adjusted

Natera, Inc.
Classification: Uncertain significance for Dyskeratosis congenita. Last evaluated: 2021-04-12. Review status: no assertion criteria provided. Collection method: clinical testing. Allele origin: germline. Not counted in ClinVar's aggregate classification.

Counsyl
Classification: Uncertain significance for Dyskeratosis congenita, autosomal recessive 5. Last evaluated: 2017-09-01. Review status: no assertion criteria provided. Collection method: clinical testing. Allele origin: unknown. Not counted in ClinVar's aggregate classification.

Literature cited by the submitters: PubMed 25848748 (cited by Labcorp Genetics (formerly Invitae), Labcorp and Counsyl); PubMed 36028256 (cited by Labcorp Genetics (formerly Invitae), Labcorp).

NM_001283009.2(RTEL1):c.1940C>T (p.Pro647Leu)

Genes: RTEL1-TNFRSF6B (RTEL1-TNFRSF6B readthrough (NMD candidate); plus strand), RTEL1 (regulator of telomere elongation helicase 1; plus strand). Cytogenetic location: 20q13.33.
Variant type: single nucleotide variant.
Coding change: c.1940C>T on transcript NM_001283009.2 (MANE Select); coding-DNA position 1940, C replaced by T.
Protein change: p.Pro647Leu; replaces proline 647 with leucine.
Molecular consequence: missense variant. On other transcripts: non-coding transcript variant (1).
Genome position (GRCh38, 1-based): chr20:63,689,563, C>T. VCF-style: chr20-63689563-C-T. GRCh37 (hg19) VCF-style: chr20-62320916-C-T.
Other names: p.Pro647Leu; c.1271C>T, p.Pro424Leu (NM_001283010.1); c.1940C>T, p.Pro647Leu (NM_016434.4); c.2012C>T, p.Pro671Leu (NM_032957.5); short protein forms P671L, P647L, P424L.
Identifiers: ClinVar variation 553611 (VCV000553611.37), dbSNP rs1177091623, ClinGen allele CA409678790.
Genomic context (GRCh38, chr20:63,689,563, plus strand): 5'-CCAGCGAGGGGCTGGACTTCTCAGACACGAATGGCCGTGGTGTGATTGTCACGGGCCTCC[C>T]GTACCCCCCACGCATGGACCCCCGGGTTGTCCTCAAGATGCAGTTCCTGGATGAGATGAA-3'
Protein context (NP_001269938.1, residues 637-657): NGRGVIVTGL[Pro647Leu]YPPRMDPRVV